The following is an entry in ClinVar:

NM_012096.3(APPL1):c.474+3G>A

Gene: APPL1 (adaptor protein, phosphotyrosine interacting with PH domain and leucine zipper 1; plus strand). Cytogenetic location: 3p14.3.
Variant type: single nucleotide variant.
Coding change: c.474+3G>A on transcript NM_012096.3 (MANE Select); 3 bases into the intron after coding-DNA position 474, G replaced by A.
Molecular consequence: intron variant.
Genome position (GRCh38, 1-based): chr3:57,242,917, G>A. VCF-style: chr3-57242917-G-A. GRCh37 (hg19) VCF-style: chr3-57276945-G-A.
Identifiers: ClinVar variation 4779337 (VCV004779337.1).

ClinVar aggregate classification (germline): Uncertain significance (1 of 4 stars; one submission).

gnomAD v4.1: 2 of 1,606,454 alleles (0.00012%); highest among the groups gnomAD compares: East Asian, 0.0022%; no homozygotes.

Submission:

Labcorp Genetics (formerly Invitae), Labcorp
Classification: Uncertain significance. Last evaluated: 2025-07-15. Review status: criteria provided, single submitter. Criteria: Invitae Variant Classification Sherloc (09022015). Collection method: clinical testing. Allele origin: germline.
Comment: This sequence change falls in intron 7 of the APPL1 gene. It does not directly change the encoded amino acid sequence of the APPL1 protein. It affects a nucleotide within the consensus splice site. This variant is present in population databases (rs375549545, gnomAD 0.006%). This variant has not been reported in the literature in individuals affected with APPL1-related conditions. Variants that disrupt the consensus splice site are a relatively common cause of aberrant splicing (PMID: 17576681, 9536098). Algorithms developed to predict the effect of sequence changes on RNA splicing suggest that this variant is not likely to affect RNA splicing. In summary, the available evidence is currently insufficient to determine the role of this variant in disease. Therefore, it has been classified as a Variant of Uncertain Significance.

Literature cited by the submitters: PubMed 17576681; PubMed 9536098.